The following is an entry in ClinVar:

ClinVar aggregate classification (germline): Uncertain significance (1 of 4 stars; one submission).

Conditions:
Pitt-Hopkins-like syndrome 2 (PTHSL2). Identifiers: Orphanet 221150, Orphanet 600663, MedGen C3280479, MONDO:0013690, OMIM 614325.

Allele frequency attached by ClinVar (database versions not stated): TOPMed 0.00001; ESP Exome Variant Server 0.00008.

Submission:

Labcorp Genetics (formerly Invitae), Labcorp
Classification: Uncertain significance for Pitt-Hopkins-like syndrome 2. Last evaluated: 2023-05-04. Review status: criteria provided, single submitter. Criteria: Invitae Variant Classification Sherloc (09022015). Collection method: clinical testing. Allele origin: germline.
Comment: In summary, the available evidence is currently insufficient to determine the role of this variant in disease. Therefore, it has been classified as a Variant of Uncertain Significance. An algorithm developed to predict the effect of missense changes on protein structure and function (PolyPhen-2) suggests that this variant is likely to be tolerated. This variant has not been reported in the literature in individuals affected with NRXN1-related conditions. The frequency data for this variant in the population databases is considered unreliable, as metrics indicate poor data quality at this position in the gnomAD database. This sequence change replaces alanine, which is neutral and non-polar, with serine, which is neutral and polar, at codon 418 of the NRXN1 protein (p.Ala418Ser).

NM_001330078.2(NRXN1):c.1153G>T (p.Ala385Ser)

Gene: NRXN1 (neurexin 1; minus strand). Cytogenetic location: 2p16.3.
Variant type: single nucleotide variant.
Coding change: c.1153G>T on transcript NM_001330078.2 (MANE Select); coding-DNA position 1153, G replaced by T.
Protein change: p.Ala385Ser; replaces alanine 385 with serine.
Molecular consequence: missense variant. On other transcripts: intron variant (6).
Genome position (GRCh38, 1-based): chr2:50,621,231, C>A on the plus strand (G>T on the coding strand, the complement: NRXN1 is on the minus strand). VCF-style: chr2-50621231-C-A. GRCh37 (hg19) VCF-style: chr2-50848369-C-A.
Other names: c.1252G>T, p.Ala418Ser (NM_001135659.3); c.1093G>T, p.Ala365Ser (NM_001330083.2, NM_001330084.2); c.1153G>T, p.Ala385Ser (NM_001330085.2, NM_001330086.2, NM_004801.6); c.1150G>T, p.Ala384Ser (NM_001330093.2); c.1141G>T, p.Ala381Ser (NM_001330094.2); c.1075-1048G>T (NM_001330096.2, NM_001330087.2); c.1105-1048G>T (NM_001330088.2); c.1135-1048G>T (NM_001330095.2, NM_001330082.2, NM_001330077.2); short protein forms A381S, A385S, A418S, A365S, A384S.
Identifiers: ClinVar variation 2861953 (VCV002861953.3), dbSNP rs376814357, ClinGen allele CA47954612.